The following is an entry in ClinVar:

ClinVar aggregate classification (germline): Uncertain significance. Review status: criteria provided, multiple submitters, no conflicts (2 of 4 stars). 2 submissions from 2 submitters: Uncertain significance (2). Last evaluated 2023-10-10.

Conditions:
Inborn genetic diseases. Identifiers: MedGen C0950123, MeSH D030342.

Allele frequency attached by ClinVar (database versions not stated): gnomAD exomes below 0.00001.
gnomAD v4.1: 2 of 1,613,956 alleles (0.00012%); highest among the groups gnomAD compares: Non-Finnish European, 0.00017%; no homozygotes.

Submissions (2):

Ambry Genetics
Classification: Uncertain significance for Inborn genetic diseases. Last evaluated: 2023-10-10. Review status: criteria provided, single submitter. Criteria: Ambry Variant Classification Scheme 2023. Collection method: clinical testing. Allele origin: germline.

GeneDx
Classification: Uncertain significance. Last evaluated: 2022-09-22. Review status: criteria provided, single submitter. Criteria: GeneDx Variant Classification Process June 2021. Collection method: clinical testing. Allele origin: germline. Affected: yes.
Comment: Not observed at significant frequency in large population cohorts (gnomAD); In silico analysis supports that this missense variant has a deleterious effect on protein structure/function; Has not been previously published as pathogenic or benign to our knowledge

NM_021074.5(NDUFV2):c.614T>C (p.Ile205Thr)

Genes: NDUFV2 (NADH:ubiquinone oxidoreductase core subunit V2; plus strand), NDUFV2-AS1 (NDUFV2 antisense RNA 1; minus strand). Cytogenetic location: 18p11.22.
Variant type: single nucleotide variant.
Coding change: c.614T>C on transcript NM_021074.5 (MANE Select); coding-DNA position 614, T replaced by C.
Protein change: p.Ile205Thr; replaces isoleucine 205 with threonine.
Molecular consequence: missense variant.
Genome position (GRCh38, 1-based): chr18:9,126,865, T>C. VCF-style: chr18-9126865-T-C. GRCh37 (hg19) VCF-style: chr18-9126863-T-C.
Other names: c.614T>C (NM_021074.4); short protein forms I205T.
Identifiers: ClinVar variation 2446113 (VCV002446113.2), dbSNP rs2510157154, ClinGen allele CA401858314.